The following is an entry in ClinVar:

NM_001386140.1(MTTP):c.1314_1315insACTGTCTCTTATACACATC (p.Leu439fs)

Gene: MTTP (microsomal triglyceride transfer protein; plus strand). Cytogenetic location: 4q23.
Variant type: Insertion.
Coding change: c.1314_1315insACTGTCTCTTATACACATC on transcript NM_001386140.1 (MANE Select); coding-DNA positions 1314 to 1315, ACTGTCTCTTATACACATC inserted.
Protein change: p.Leu439fs; shifts the reading frame from leucine 439.
Molecular consequence: frameshift variant.
Genome position: GRCh38 VCF-style: chr4-99601684-G-GACTGTCTCTTATACACATC. GRCh37 (hg19) VCF-style: chr4-100522841-G-GACTGTCTCTTATACACATC.
Other names: c.1314_1315insACTGTCTCTTATACACATC, p.Leu439fs (NM_000253.4); c.1065_1066insACTGTCTCTTATACACATC, p.Leu356fs (NM_001300785.2); short protein forms L356fs, L439fs.
Identifiers: ClinVar variation 5011097 (VCV005011097.1).

ClinVar aggregate classification (germline): Pathogenic (1 of 4 stars; one submission).

Conditions:
Abetalipoproteinaemia (ABL). Also called: MTP DEFICIENCY; Abetalipoproteinemia; Abetalipoproteinemia neuropathy; Apolipoprotein B deficiency; Congenital betalipoprotein deficiency syndrome. Identifiers: Orphanet 14, MedGen C0000744, MONDO:0008692, OMIM 200100, HP:0008181.

Submission:

Myriad Genetics, Inc.
Classification: Pathogenic for Abetalipoproteinaemia. Last evaluated: 2024-05-14. Review status: criteria provided, single submitter. Criteria: Myriad Autosomal Dominant, Autosomal Recessive and X-Linked Classification Criteria (2023). Collection method: clinical testing. Allele origin: unknown.
Comment: NM_000253.2(MTTP):c.1314_1315ins19(L439Tfs*11) is expected to be pathogenic in the context of abetalipoproteinemia. This variant is predicted to lead to an abnormal or absent protein product due to the creation of a premature termination codon in MTTP, a gene where loss-of-function variants are known to be pathogenic. Please note: this variant was assessed in the context of healthy population screening.